The following is an entry in ClinVar:

NM_002354.3(EPCAM):c.831A>G (p.Ile277Met)

Gene: EPCAM (epithelial cell adhesion molecule; plus strand). Cytogenetic location: 2p21.
Variant type: single nucleotide variant.
Coding change: c.831A>G on transcript NM_002354.3 (MANE Select); coding-DNA position 831, A replaced by G.
Protein change: p.Ile277Met; replaces isoleucine 277 with methionine.
Molecular consequence: missense variant.
Genome position (GRCh38, 1-based): chr2:47,379,942, A>G. VCF-style: chr2-47379942-A-G. GRCh37 (hg19) VCF-style: chr2-47607081-A-G.
Other names: p.I277M:ATA>ATG; short protein forms I277M.
Identifiers: ClinVar variation 127851 (VCV000127851.60), dbSNP rs115283528, ClinGen allele CA287886.

ClinVar aggregate classification (germline): Benign/Likely benign. Review status: criteria provided, multiple submitters, no conflicts (2 of 4 stars). 11 submissions from 11 submitters: Benign (3); Likely benign (6). 2 of the submissions do not count toward it. Last evaluated 2026-01-15.

Conditions:
EPCAM-related disorder. Also called: EPCAM-related condition.
Hereditary cancer-predisposing syndrome. Also called: Tumor predisposition; Hereditary neoplastic syndrome; Neoplastic Syndromes, Hereditary; Hereditary Cancer Syndrome. Identifiers: Orphanet 140162, MedGen C0027672, MeSH D009386, MONDO:0015356.

Allele frequency attached by ClinVar (database versions not stated): 1000 Genomes Project 30x 0.00078; 1000 Genomes Project 0.00080; gnomAD 0.00135 and 0.00144; TOPMed 0.00146; gnomAD exomes 0.00161 and 0.00217; ESP Exome Variant Server 0.00185; ExAC 0.00234.
gnomAD v4.1: 2,661 of 1,613,570 alleles (0.16%); highest among the groups gnomAD compares: Middle Eastern, 2.1%; 7 homozygotes.

Submissions (11):

Labcorp Genetics (formerly Invitae), Labcorp
Classification: Benign. Last evaluated: 2026-01-15. Review status: criteria provided, single submitter. Criteria: Invitae Variant Classification Sherloc (09022015). Collection method: clinical testing. Allele origin: germline.

Laboratorio de I+D, Fundación Centro Médico de Asturias
Classification: Benign for Hereditary cancer-predisposing syndrome. Last evaluated: 2025-07-10. Review status: criteria provided, single submitter. Criteria: ACMG Guidelines, 2015. Collection method: clinical testing. Allele origin: germline.
Comment: BS1+BS2+BP4_Moderate

CeGaT Center for Human Genetics Tuebingen
Classification: Likely benign. Last evaluated: 2025-07-01. Review status: criteria provided, single submitter. Criteria: CeGaT Center For Human Genetics Tuebingen Variant Classification Criteria Version 2. Collection method: clinical testing. Allele origin: germline. Affected: yes. Observed: 30 variant alleles.
Comment: EPCAM: BP4

Blueprint Genetics
Classification: Likely benign. Last evaluated: 2024-11-26. Review status: criteria provided, single submitter. Criteria: ACMG Guidelines, 2015. Collection method: clinical testing. Allele origin: germline.

Institute for Clinical Genetics, University Hospital TU Dresden, University Hospital TU Dresden
Classification: Likely benign. Last evaluated: 2021-11-03. Review status: criteria provided, single submitter. Criteria: ACMG Guidelines, 2015. Collection method: clinical testing. Allele origin: germline.

Genetic Services Laboratory, University of Chicago
Classification: Likely benign. Last evaluated: 2021-07-26. Review status: criteria provided, single submitter. Criteria: ACMG Guidelines, 2015. Collection method: clinical testing. Allele origin: germline. Affected: no.

Genomic Research Center, Shahid Beheshti University of Medical Sciences
Classification: Benign. Last evaluated: 2020-05-03. Review status: criteria provided, single submitter. Criteria: ACMG Guidelines, 2015. Collection method: clinical testing. Allele origin: unknown. Affected: yes.

GeneDx
Classification: Likely benign. Last evaluated: 2013-12-12. Review status: criteria provided, single submitter. Criteria: GeneDx Variant Classification (06012015). Collection method: clinical testing. Allele origin: germline. Affected: yes.
Comment: This variant is considered likely benign or benign based on one or more of the following criteria: it is a conservative change, it occurs at a poorly conserved position in the protein, it is predicted to be benign by multiple in silico algorithms, and/or has population frequency not consistent with disease.

Breakthrough Genomics
Classification: Likely benign. Review status: criteria provided, single submitter. Criteria: ACMG Guidelines, 2015. Collection method: not provided. Allele origin: germline. Inheritance: Autosomal recessive inheritance. Affected: yes.

PreventionGenetics, part of Exact Sciences
Classification: Benign for EPCAM-related condition. Last evaluated: 2020-01-10. Review status: no assertion criteria provided. Collection method: clinical testing. Allele origin: germline. Not counted in ClinVar's aggregate classification.
Comment: This variant is classified as benign based on ACMG/AMP sequence variant interpretation guidelines (Richards et al. 2015 PMID: 25741868, with internal and published modifications).

True Health Diagnostics
Classification: Likely benign for Hereditary cancer-predisposing syndrome. Last evaluated: 2018-04-30. Review status: no assertion criteria provided. Collection method: clinical testing. Allele origin: germline. Not counted in ClinVar's aggregate classification.